The following is an entry in ClinVar:

NM_001003800.2(BICD2):c.1745C>G (p.Ser582Ter)

Gene: BICD2 (BICD cargo adaptor 2; minus strand). Cytogenetic location: 9q22.31.
Variant type: single nucleotide variant.
Coding change: c.1745C>G on transcript NM_001003800.2 (MANE Select); coding-DNA position 1745, C replaced by G.
Protein change: p.Ser582Ter; replaces serine 582 with a stop codon.
Molecular consequence: nonsense.
Genome position (GRCh38, 1-based): chr9:92,718,900, G>C on the plus strand (C>G on the coding strand, the complement: BICD2 is on the minus strand). VCF-style: chr9-92718900-G-C. GRCh37 (hg19) VCF-style: chr9-95481182-G-C.
Other names: c.1745C>G, p.Ser582Ter (NM_015250.4); short protein forms S582*.
Identifiers: ClinVar variation 4528093 (VCV004528093.1).

ClinVar aggregate classification (germline): Uncertain significance (1 of 4 stars; one submission).

Submission:

GeneDx
Classification: Uncertain significance. Last evaluated: 2025-05-02. Review status: criteria provided, single submitter. Criteria: GeneDx Variant Classification Process June 2021. Collection method: clinical testing. Allele origin: germline. Affected: yes.
Comment: Not observed at significant frequency in large population cohorts (gnomAD); Nonsense variant predicted to result in protein truncation or nonsense mediated decay in a gene or region of a gene for which loss of function is not a well-established mechanism of disease; Has not been previously published as pathogenic or benign to our knowledge